The following is an entry in ClinVar:

NM_000443.4(ABCB4):c.924A>G (p.Ile308Met)

Gene: ABCB4 (ATP binding cassette subfamily B member 4; minus strand). Cytogenetic location: 7q21.12.
Variant type: single nucleotide variant.
Coding change: c.924A>G on transcript NM_000443.4 (MANE Select); coding-DNA position 924, A replaced by G.
Protein change: p.Ile308Met; replaces isoleucine 308 with methionine.
Molecular consequence: missense variant.
Genome position (GRCh38, 1-based): chr7:87,447,115, T>C on the plus strand (A>G on the coding strand, the complement: ABCB4 is on the minus strand). VCF-style: chr7-87447115-T-C. GRCh37 (hg19) VCF-style: chr7-87076431-T-C.
Other names: p.Ile308Met; c.924A>G, p.Ile308Met (NM_018849.3, NM_018850.3); short protein forms I308M.
Identifiers: ClinVar variation 2682977 (VCV002682977.2), dbSNP rs187810223, ClinGen allele CA4327421.

ClinVar aggregate classification (germline): Uncertain significance. Review status: criteria provided, multiple submitters, no conflicts (2 of 4 stars). 2 submissions from 2 submitters: Uncertain significance (2). Last evaluated 2026-04-14.

Conditions:
Familial intrahepatic cholestasis. Identifiers: Orphanet 284385, MedGen CN296401, MONDO:0017290.

Allele frequency attached by ClinVar (database versions not stated): gnomAD exomes below 0.00001; ExAC 0.00002; gnomAD 0.00002; TOPMed 0.00005; 1000 Genomes Project 30x 0.00016; 1000 Genomes Project 0.00020.
gnomAD v4.1: 8 of 1,613,918 alleles (0.0005%); highest among the groups gnomAD compares: East Asian, 0.016%; no homozygotes.

Submissions (2):

Genomenon, Inc
Classification: Uncertain significance for Familial intrahepatic cholestasis. Last evaluated: 2026-04-14. Review status: criteria provided, single submitter. Criteria: Genomenon Sequence Variant Interpretation Standards - Updated. Collection method: curation. Allele origin: germline. Affected: yes.
Comment: ABCB4 p.Ile308Met (c.924A>G) is a missense variant that changes the amino acid at residue 308 from Isoleucine to Methionine. This variant has been observed in at least one proband with an ABCB4-related disorder (PMID:38343606). It is absent or not present at a significant frequency in gnomAD. In conclusion, we classify ABCB4 p.Ile308Met (c.924A>G) as a variant of uncertain significance.

Mayo Clinic Laboratories, Mayo Clinic
Classification: Uncertain significance. Last evaluated: 2022-08-11. Review status: criteria provided, single submitter. Criteria: ACMG Guidelines, 2015. Collection method: clinical testing. Allele origin: germline. Observed: 1 variant allele.
Comment: PM2

Literature cited by the submitters: PubMed 38343606 (cited by Genomenon, Inc).